The following is an entry in ClinVar:

NM_025150.5(TARS2):c.1175A>T (p.Asp392Val)

Gene: TARS2 (threonyl-tRNA synthetase 2, mitochondrial; plus strand). Cytogenetic location: 1q21.2.
Variant type: single nucleotide variant.
Coding change: c.1175A>T on transcript NM_025150.5 (MANE Select); coding-DNA position 1175, A replaced by T.
Protein change: p.Asp392Val; replaces aspartic acid 392 with valine.
Molecular consequence: missense variant. On other transcripts: non-coding transcript variant (2).
Genome position (GRCh38, 1-based): chr1:150,497,684, A>T. VCF-style: chr1-150497684-A-T. GRCh37 (hg19) VCF-style: chr1-150470160-A-T.
Other names: c.929A>T, p.Asp310Val (NM_001271895.2); c.785A>T, p.Asp262Val (NM_001271896.2); short protein forms D262V, D310V, D392V.
Identifiers: ClinVar variation 2581830 (VCV002581830.1), dbSNP rs2526313678, ClinGen allele CA342327537.

ClinVar aggregate classification (germline): Uncertain significance (1 of 4 stars; one submission).

Allele frequency attached by ClinVar (database versions not stated): gnomAD exomes below 0.00001.

Submission:

GeneDx
Classification: Uncertain significance. Last evaluated: 2023-03-29. Review status: criteria provided, single submitter. Criteria: GeneDx Variant Classification Process June 2021. Collection method: clinical testing. Allele origin: germline. Affected: yes.
Comment: Not observed at significant frequency in large population cohorts (gnomAD); In silico analysis supports that this missense variant does not alter protein structure/function; Has not been previously published as pathogenic or benign to our knowledge